The following is an entry in ClinVar:

ClinVar aggregate classification (germline): Uncertain significance. Review status: criteria provided, multiple submitters, no conflicts (2 of 4 stars). 2 submissions from 2 submitters: Uncertain significance (2). Last evaluated 2024-03-06.

Conditions:
Hereditary cancer-predisposing syndrome. Also called: Hereditary neoplastic syndrome; Neoplastic Syndromes, Hereditary; Hereditary Cancer Syndrome; Tumor predisposition. Identifiers: Orphanet 140162, MedGen C0027672, MeSH D009386, MONDO:0015356.
Peutz-Jeghers syndrome (PJS). Also called: POLYPOSIS, HAMARTOMATOUS INTESTINAL; POLYPS-AND-SPOTS SYNDROME; Peutz-Jeghers polyposis; Periorificial lentiginosis syndrome. Identifiers: Orphanet 2869, MedGen C0031269, MeSH D010580, MONDO:0008280, OMIM 175200.

Submissions (2):

Color Diagnostics, LLC DBA Color Health
Classification: Uncertain significance for Hereditary cancer-predisposing syndrome. Last evaluated: 2024-03-06. Review status: criteria provided, single submitter. Criteria: ACMG Guidelines, 2015. Collection method: clinical testing. Allele origin: germline.
Comment: This missense variant replaces proline with leucine at codon 323 of the STK11 protein. Computational prediction is inconclusive regarding the impact of this variant on protein structure and function (internally defined REVEL score threshold 0.5 < inconclusive < 0.7, PMID: 27666373). To our knowledge, functional studies have not been reported for this variant. This variant has not been reported in individuals affected with hereditary cancer in the literature. This variant has not been identified in the general population by the Genome Aggregation Database (gnomAD). The available evidence is insufficient to determine the role of this variant in disease conclusively. Therefore, this variant is classified as a Variant of Uncertain Significance.

All of Us Research Program, National Institutes of Health
Classification: Uncertain significance for Peutz-Jeghers syndrome. Last evaluated: 2023-06-26. Review status: criteria provided, single submitter. Criteria: ACMG Guidelines, 2015. Collection method: clinical testing. Allele origin: germline. Inheritance: Autosomal dominant inheritance. Observed: 2 variant alleles, 2 heterozygotes.
Comment: This missense variant replaces proline with leucine at codon 323 of the STK11 protein. Computational prediction is inconclusive regarding the impact of this variant on protein structure and function (internally defined REVEL score threshold 0.5 < inconclusive < 0.7, PMID: 27666373). To our knowledge, functional studies have not been reported for this variant. This variant has not been reported in individuals affected with hereditary cancer in the literature. This variant has not been identified in the general population by the Genome Aggregation Database (gnomAD). The available evidence is insufficient to determine the role of this variant in disease conclusively. Therefore, this variant is classified as a Variant of Uncertain Significance.

This study involves interpretation of variants in research participants for the purpose of population health screening. Participant phenotype was not available at the time of variant classification. Additional details can be found in publication PMID: 35346344, PMCID: PMC8962531

NM_000455.5(STK11):c.968C>T (p.Pro323Leu)

Gene: STK11 (serine/threonine kinase 11; plus strand). Cytogenetic location: 19p13.3.
Variant type: single nucleotide variant.
Coding change: c.968C>T on transcript NM_000455.5 (MANE Select); coding-DNA position 968, C replaced by T.
Protein change: p.Pro323Leu; replaces proline 323 with leucine.
Molecular consequence: missense variant.
Genome position (GRCh38, 1-based): chr19:1,223,032, C>T. VCF-style: chr19-1223032-C-T. GRCh37 (hg19) VCF-style: chr19-1223031-C-T.
Other names: short protein forms P323L.
Identifiers: ClinVar variation 1171389 (VCV001171389.5), dbSNP rs2145430809, ClinGen allele CA402951573.